The following is an entry in ClinVar:

ClinVar aggregate classification (germline): Benign/Likely benign. Review status: criteria provided, multiple submitters, no conflicts (2 of 4 stars). 6 submissions from 6 submitters: Benign (1); Likely benign (5). Last evaluated 2026-05-22.

Conditions:
Hereditary cancer-predisposing syndrome. Also called: Neoplastic Syndromes, Hereditary; Hereditary Cancer Syndrome; Tumor predisposition; Hereditary neoplastic syndrome. Identifiers: Orphanet 140162, MedGen C0027672, MeSH D009386, MONDO:0015356.
Neurofibromatosis, type 1 (NF1). Also called: VON RECKLINGHAUSEN DISEASE; Peripheral type neurofibromatosis; NEUROFIBROMATOSIS, TYPE I, SOMATIC; Neurofibromatosis, type I. Identifiers: Orphanet 636, MedGen C0027831, MONDO:0018975, OMIM 162200. Disease mechanism: loss of function.

Allele frequency attached by ClinVar (database versions not stated): gnomAD exomes below 0.00001 and 0.00002; gnomAD 0.00001; ExAC 0.00002; TOPMed 0.00002.
gnomAD v4.1: 6 of 1,613,964 alleles (0.00037%); highest among the groups gnomAD compares: East Asian, 0.013%; no homozygotes.

Submissions (6):

Myriad Genetics, Inc.
Classification: Benign for Neurofibromatosis, type 1. Last evaluated: 2026-05-22. Review status: criteria provided, single submitter. Criteria: Myriad Autosomal Dominant, Autosomal Recessive and X-Linked Classification Criteria (2023). Collection method: clinical testing. Allele origin: unknown.
Comment: This variant is considered benign. This variant is a silent/synonymous amino acid change and it is not expected to impact splicing.

Labcorp Genetics (formerly Invitae), Labcorp
Classification: Likely benign for Neurofibromatosis, type 1. Last evaluated: 2026-01-20. Review status: criteria provided, single submitter. Criteria: Invitae Variant Classification Sherloc (09022015). Collection method: clinical testing. Allele origin: germline.

CeGaT Center for Human Genetics Tuebingen
Classification: Likely benign. Last evaluated: 2023-12-01. Review status: criteria provided, single submitter. Criteria: CeGaT Center For Human Genetics Tuebingen Variant Classification Criteria Version 2. Collection method: clinical testing. Allele origin: germline. Affected: yes. Observed: 1 variant allele.
Comment: NF1: BP4, BP7

Blueprint Genetics
Classification: Likely benign. Last evaluated: 2023-04-06. Review status: criteria provided, single submitter. Criteria: ACMG Guidelines, 2015. Collection method: clinical testing. Allele origin: germline.

Genetic Services Laboratory, University of Chicago
Classification: Likely benign. Last evaluated: 2018-08-03. Review status: criteria provided, single submitter. Criteria: ACMG Guidelines, 2015. Collection method: clinical testing. Allele origin: germline. Affected: no.

Ambry Genetics
Classification: Likely benign for Hereditary cancer-predisposing syndrome. Last evaluated: 2015-02-03. Review status: criteria provided, single submitter. Criteria: Ambry Autosomal Dominant and X-Linked criteria (10/2015). Collection method: clinical testing. Allele origin: germline. Observed: 1 variant allele.

NM_001042492.3(NF1):c.8091A>G (p.Gln2697=)

Gene: NF1 (neurofibromin 1; plus strand). Cytogenetic location: 17q11.2.
Variant type: single nucleotide variant.
Coding change: c.8091A>G on transcript NM_001042492.3 (MANE Select); coding-DNA position 8091, A replaced by G.
Protein change: p.Gln2697=; no amino-acid change (glutamine 2697 retained).
Molecular consequence: synonymous variant.
Genome position (GRCh38, 1-based): chr17:31,358,600, A>G. VCF-style: chr17-31358600-A-G. GRCh37 (hg19) VCF-style: chr17-29685618-A-G.
Other names: c.8028A>G, p.Gln2676= (NM_000267.4).
Identifiers: ClinVar variation 230262 (VCV000230262.39), dbSNP rs760433938, ClinGen allele CA8487727.